The following is an entry in ClinVar:

ClinVar aggregate classification (germline): Conflicting classifications of pathogenicity. Review status: criteria provided, conflicting classifications (1 of 4 stars). 9 submissions from 9 submitters: Uncertain significance (4); Likely benign (4). 1 of the submissions does not count toward it. Last evaluated 2026-04-01.

Conditions:
Inborn genetic diseases. Identifiers: MedGen C0950123, MeSH D030342.
CC2D1A-related disorder. Also called: CC2D1A-related condition.
Intellectual developmental disorder, autosomal recessive 3. Also called: Intellectual disability, autosomal recessive 3. Identifiers: Orphanet 88616, MedGen C1838023, MONDO:0012037, OMIM 608443.

Allele frequency attached by ClinVar (database versions not stated): 1000 Genomes Project 0.00100; 1000 Genomes Project 30x 0.00125; ESP Exome Variant Server 0.00218; gnomAD 0.00245 and 0.00256; TOPMed 0.00273.
gnomAD v4.1: 4,443 of 1,603,876 alleles (0.28%); highest among the groups gnomAD compares: Admixed American, 0.42%; 5 homozygotes.

Submissions (9):

CeGaT Center for Human Genetics Tuebingen
Classification: Likely benign. Last evaluated: 2026-04-01. Review status: criteria provided, single submitter. Criteria: CeGaT Center For Human Genetics Tuebingen Variant Classification Criteria Version 2. Collection method: clinical testing. Allele origin: germline. Affected: yes. Observed: 7 variant alleles.
Comment: CC2D1A: BP4

Labcorp Genetics (formerly Invitae), Labcorp
Classification: Likely benign. Last evaluated: 2026-01-27. Review status: criteria provided, single submitter. Criteria: Invitae Variant Classification Sherloc (09022015). Collection method: clinical testing. Allele origin: germline.

Blueprint Genetics
Classification: Likely benign. Last evaluated: 2024-11-25. Review status: criteria provided, single submitter. Criteria: ACMG Guidelines, 2015. Collection method: clinical testing. Allele origin: germline.

Ambry Genetics
Classification: Uncertain significance for Inborn genetic diseases. Last evaluated: 2020-05-27. Review status: criteria provided, single submitter. Criteria: Ambry Variant Classification Scheme 2023. Collection method: clinical testing. Allele origin: germline.
Comment: The p.I412V variant (also known as c.1234A>G), located in coding exon 12 of the CC2D1A gene, results from an A to G substitution at nucleotide position 1234. The isoleucine at codon 412 is replaced by valine, an amino acid with highly similar properties. This variant has co-occurred with variants in other intellectual disability (ID)-related genes in individuals from an ID cohort (Grozeva D et al. Hum. Mutat., 2015 Dec;36:1197-204). This amino acid position is not well conserved in available vertebrate species. In addition, this alteration is predicted to be tolerated by in silico analysis. Since supporting evidence is limited at this time, the clinical significance of this alteration remains unclear.

Baylor Genetics
Classification: Uncertain significance for Intellectual developmental disorder, autosomal recessive 3. Last evaluated: 2019-01-07. Review status: criteria provided, single submitter. Criteria: ACMG Guidelines, 2015. Collection method: clinical testing. Allele origin: unknown. Affected: yes.
Comment: This variant was determined to be of uncertain significance according to ACMG Guidelines, 2015 [PMID:25741868].

Genomic Research Center, Shahid Beheshti University of Medical Sciences
Classification: Uncertain significance for Intellectual developmental disorder, autosomal recessive 3. Last evaluated: 2018-03-05. Review status: criteria provided, single submitter. Criteria: ACMG Guidelines, 2015. Collection method: clinical testing. Allele origin: inherited. Affected: no. Observed: 1 variant allele.

Center for Pediatric Genomic Medicine, Children's Mercy Hospital and Clinics
Classification: Likely benign. Last evaluated: 2016-09-27. Review status: criteria provided, single submitter. Criteria: ACMG Guidelines, 2015. Collection method: clinical testing. Allele origin: germline.
ClinVar note: Converted during submission from Likely Benign to Likely benign.

Genetic Services Laboratory, University of Chicago
Classification: Uncertain significance. Last evaluated: 2014-08-08. Review status: criteria provided, single submitter. Criteria: ACMG Guidelines, 2015. Collection method: clinical testing. Allele origin: germline.

PreventionGenetics, part of Exact Sciences
Classification: Likely benign for CC2D1A-related condition. Last evaluated: 2022-03-18. Review status: no assertion criteria provided. Collection method: clinical testing. Allele origin: germline. Not counted in ClinVar's aggregate classification.
Comment: This variant is classified as likely benign based on ACMG/AMP sequence variant interpretation guidelines (Richards et al. 2015 PMID: 25741868, with internal and published modifications).

Literature cited by the submitters: PubMed 26350204 (cited by Ambry Genetics).

NM_017721.5(CC2D1A):c.1234A>G (p.Ile412Val)

Gene: CC2D1A (coiled-coil and C2 domain containing 1A; plus strand). Cytogenetic location: 19p13.12.
Variant type: single nucleotide variant.
Coding change: c.1234A>G on transcript NM_017721.5 (MANE Select); coding-DNA position 1234, A replaced by G.
Protein change: p.Ile412Val; replaces isoleucine 412 with valine.
Molecular consequence: missense variant.
Genome position (GRCh38, 1-based): chr19:13,919,829, A>G. VCF-style: chr19-13919829-A-G. GRCh37 (hg19) VCF-style: chr19-14030642-A-G.
Other names: short protein forms I412V.
Identifiers: ClinVar variation 210590 (VCV000210590.52), dbSNP rs191830054, ClinGen allele CA208112.